The following is an entry in ClinVar:

NM_006231.4(POLE):c.939T>G (p.Val313=)

Gene: POLE (DNA polymerase epsilon, catalytic subunit; minus strand). Cytogenetic location: 12q24.33.
Variant type: single nucleotide variant.
Coding change: c.939T>G on transcript NM_006231.4 (MANE Select); coding-DNA position 939, T replaced by G.
Protein change: p.Val313=; no amino-acid change (valine 313 retained).
Molecular consequence: synonymous variant.
Genome position (GRCh38, 1-based): chr12:132,676,175, A>C on the plus strand (T>G on the coding strand, the complement: POLE is on the minus strand). VCF-style: chr12-132676175-A-C. GRCh37 (hg19) VCF-style: chr12-133252761-A-C.
Identifiers: ClinVar variation 1619021 (VCV001619021.11), dbSNP rs2136013996, ClinGen allele CA482723004.

ClinVar aggregate classification (germline): Benign/Likely benign. Review status: criteria provided, multiple submitters, no conflicts (2 of 4 stars). 3 submissions from 3 submitters: Benign (1); Likely benign (2). Last evaluated 2025-02-07.

Conditions:
Hereditary cancer-predisposing syndrome. Also called: Hereditary Cancer Syndrome; Neoplastic Syndromes, Hereditary; Hereditary neoplastic syndrome; Tumor predisposition. Identifiers: Orphanet 140162, MedGen C0027672, MeSH D009386, MONDO:0015356.
Colorectal cancer, susceptibility to, 12 (CRCS12). Also called: COLORECTAL CANCER, SUSCEPTIBILITY TO, ON CHROMOSOME 12q24. Identifiers: Orphanet 220460, MedGen C3554460, MONDO:0014038, OMIM 615083.

Allele frequency attached by ClinVar (database versions not stated): gnomAD exomes below 0.00001.
gnomAD v4.1: 2 of 1,613,490 alleles (0.00012%); highest among the groups gnomAD compares: Non-Finnish European, 0.00017%; no homozygotes.

Submissions (3):

Myriad Genetics, Inc.
Classification: Benign for Colorectal cancer, susceptibility to, 12. Last evaluated: 2025-02-07. Review status: criteria provided, single submitter. Criteria: Myriad Autosomal Dominant, Autosomal Recessive and X-Linked Classification Criteria (2023). Collection method: clinical testing. Allele origin: unknown.
Comment: This variant is considered benign. This variant is a silent/synonymous amino acid change and it is not expected to impact splicing.

Labcorp Genetics (formerly Invitae), Labcorp
Classification: Likely benign. Last evaluated: 2021-11-25. Review status: criteria provided, single submitter. Criteria: Invitae Variant Classification Sherloc (09022015). Collection method: clinical testing. Allele origin: germline.

Ambry Genetics
Classification: Likely benign for Hereditary cancer-predisposing syndrome. Last evaluated: 2021-08-15. Review status: criteria provided, single submitter. Criteria: Ambry Variant Classification Scheme 2023. Collection method: clinical testing. Allele origin: germline.